The following is an entry in ClinVar:

NM_004991.4(MECOM):c.2119A>G (p.Met707Val)

Gene: MECOM (MDS1 and EVI1 complex locus; minus strand). Cytogenetic location: 3q26.2.
Variant type: single nucleotide variant.
Coding change: c.2119A>G on transcript NM_004991.4 (MANE Select); coding-DNA position 2119, A replaced by G.
Protein change: p.Met707Val; replaces methionine 707 with valine.
Molecular consequence: missense variant.
Genome position (GRCh38, 1-based): chr3:169,115,753, T>C on the plus strand (A>G on the coding strand, the complement: MECOM is on the minus strand). VCF-style: chr3-169115753-T-C. GRCh37 (hg19) VCF-style: chr3-168833541-T-C.
Other names: c.1750A>G, p.Met584Val (NM_001105077.4); c.1555A>G, p.Met519Val (NM_001105078.4, NM_001164000.2, NM_001205194.2 and 4 more transcripts); c.1558A>G, p.Met520Val (NM_001163999.2, NM_001366467.2, NM_001366468.2 and 1 more transcripts); c.2119A>G, p.Met707Val (NM_001366466.2); c.1147A>G, p.Met383Val (NM_001366473.2); c.583A>G, p.Met195Val (NM_001366474.2); short protein forms M195V, M520V, M383V, M519V, M584V, M707V.
Identifiers: ClinVar variation 3394369 (VCV003394369.1).
Genomic context (GRCh38, chr3:169,115,753, plus strand): 5'-GTGATTGGGGTTCCATTTTCAAAGGTAACGATCTCAAGTCTCTATCAGGAAATGGGTACA[T>C]TGATTGAGAGAATGCTGGAAAAAATGGGAGGGGAAACATGGAAGGGTAAGGTAAAGCTCC-3'
Protein context (NP_004982.2, residues 697-717): LPFFPAFSQS[Met707Val]YPFPDRDLRS

ClinVar aggregate classification (germline): Uncertain significance (1 of 4 stars; one submission).

Conditions:
Inborn genetic diseases. Identifiers: MedGen C0950123, MeSH D030342.

gnomAD v4.1: 26 of 1,614,026 alleles (0.0016%); highest among the groups gnomAD compares: African/African-American, 0.015%; no homozygotes.

Submission:

Ambry Genetics
Classification: Uncertain significance for Inborn genetic diseases. Last evaluated: 2024-12-04. Review status: criteria provided, single submitter. Criteria: Ambry Variant Classification Scheme 2023. Collection method: clinical testing. Allele origin: germline.
Comment: The p.M707V variant (also known as c.2119A>G), located in coding exon 8 of the MECOM gene, results from an A to G substitution at nucleotide position 2119. The methionine at codon 707 is replaced by valine, an amino acid with highly similar properties. This amino acid position is conserved. In addition, this alteration is predicted to be tolerated by in silico analysis. Based on the available evidence, the clinical significance of this variant remains unclear.